The following is an entry in ClinVar:

NM_004656.4(BAP1):c.1205A>C (p.Glu402Ala)

Gene: BAP1 (BRCA1 associated deubiquitinase 1; minus strand). Cytogenetic location: 3p21.1.
Variant type: single nucleotide variant.
Coding change: c.1205A>C on transcript NM_004656.4 (MANE Select); coding-DNA position 1205, A replaced by C.
Protein change: p.Glu402Ala; replaces glutamic acid 402 with alanine.
Molecular consequence: missense variant.
Genome position (GRCh38, 1-based): chr3:52,404,498, T>G on the plus strand (A>C on the coding strand, the complement: BAP1 is on the minus strand). VCF-style: chr3-52404498-T-G. GRCh37 (hg19) VCF-style: chr3-52438514-T-G.
Other names: c.1151A>C, p.Glu384Ala (NM_001410772.1); short protein forms E384A, E402A.
Identifiers: ClinVar variation 3260374 (VCV003260374.1).
Genomic context (GRCh38, chr3:52,404,498, plus strand): 5'-GAAAGCTGGGCTGACCTAAGGGCAGAGTTGGTGTTCTGCACGTCATCCTCCTCGTCATCC[T>G]CATAGTCATCCTCATCATCTGAGTACTGCTGGGGTGGGCGGACTGGAACTCGGCTGCGGC-3'
Protein context (NP_004647.1, residues 392-412): QQYSDDEDDY[Glu402Ala]DDEEDDVQNT

ClinVar aggregate classification (germline): Uncertain significance (1 of 4 stars; one submission).

Conditions:
Hereditary cancer-predisposing syndrome. Also called: Hereditary Cancer Syndrome; Tumor predisposition; Hereditary neoplastic syndrome; Neoplastic Syndromes, Hereditary. Identifiers: Orphanet 140162, MedGen C0027672, MeSH D009386, MONDO:0015356.

Submission:

Ambry Genetics
Classification: Uncertain significance for Hereditary cancer-predisposing syndrome. Last evaluated: 2024-03-23. Review status: criteria provided, single submitter. Criteria: Ambry Variant Classification Scheme 2023. Collection method: clinical testing. Allele origin: germline.
Comment: The p.E402A variant (also known as c.1205A>C), located in coding exon 12 of the BAP1 gene, results from an A to C substitution at nucleotide position 1205. The glutamic acid at codon 402 is replaced by alanine, an amino acid with dissimilar properties. This amino acid position is conserved. In addition, this alteration is predicted to be tolerated by in silico analysis. Based on the available evidence, the clinical significance of this alteration remains unclear.